The following is an entry in ClinVar:

ClinVar aggregate classification (germline): Pathogenic (1 of 4 stars; one submission).

Conditions:
Hereditary breast ovarian cancer syndrome. Also called: BRCA1- and BRCA2-Associated Hereditary Breast and Ovarian Cancer; Hereditary breast and ovarian cancer; Hereditary breast and ovarian cancer syndrome; Hereditary breast and ovarian cancer syndrome (HBOC); Breast and ovarian cancer; Hereditary breast and/or ovarian cancer syndrome. Identifiers: Orphanet 145, MedGen C0677776, MeSH D061325, MONDO:0003582. Disease mechanism: loss of function.

Submission:

Labcorp Genetics (formerly Invitae), Labcorp
Classification: Pathogenic for Hereditary breast ovarian cancer syndrome. Last evaluated: 2021-07-03. Review status: criteria provided, single submitter. Criteria: Invitae Variant Classification Sherloc (09022015). Collection method: clinical testing. Allele origin: germline.
Comment: This variant has not been reported in the literature in individuals affected with BRCA2-related conditions. This variant is not present in population databases (ExAC no frequency). This sequence change creates a premature translational stop signal (p.Asp469Alafs*4) in the BRCA2 gene. It is expected to result in an absent or disrupted protein product. Loss-of-function variants in BRCA2 are known to be pathogenic (PMID: 20104584). For these reasons, this variant has been classified as Pathogenic.

Literature cited by the submitters: PubMed 20104584.

NM_000059.4(BRCA2):c.1406_1413del (p.Asp469fs)

Gene: BRCA2 (BRCA2 DNA repair associated; plus strand). Cytogenetic location: 13q13.1.
Variant type: Deletion.
Coding change: c.1406_1413del on transcript NM_000059.4 (MANE Select); coding-DNA positions 1406 to 1413, 8 bases deleted (ATGAAGAG; older notation c.1406_1413delATGAAGAG).
Protein change: p.Asp469fs; shifts the reading frame from aspartic acid 469.
Molecular consequence: frameshift variant.
Genome position (GRCh38, 1-based): chr13:32,332,884-32,332,891, ATGAAGAG deleted; deleting any 8 consecutive bases within chr13:32,332,880-32,332,891 gives the same sequence; the c. name uses the placement nearest the transcript's 3' end. VCF-style (leftmost placement, unchanged base first): chr13-32332879-GAGAGATGA-G. GRCh37 (hg19) VCF-style: chr13-32907016-GAGAGATGA-G.
Other names: short protein forms D469fs.
Identifiers: ClinVar variation 1352062 (VCV001352062.6), dbSNP rs2137471050, ClinGen allele CA2573149260.